The following is an entry in ClinVar:

NM_024009.3(GJB3):c.687del (p.Ser230fs)

Gene: GJB3 (gap junction protein beta 3; plus strand). Cytogenetic location: 1p34.3.
Variant type: Deletion.
Coding change: c.687del on transcript NM_024009.3 (MANE Select); coding-DNA position 687, one base deleted (C; older notation c.687delC).
Protein change: p.Ser230fs; shifts the reading frame from serine 230.
Molecular consequence: frameshift variant.
Genome position (GRCh38, 1-based): chr1:34,785,449, C deleted; the last of 4 consecutive C bases (chr1:34,785,446-34,785,449); deleting any one gives the same sequence. VCF-style (leftmost placement, unchanged base first): chr1-34785445-GC-G. GRCh37 (hg19) VCF-style: chr1-35251046-GC-G.
Other names: c.687del, p.Ser230fs (NM_001005752.2); short protein forms S230fs.
Identifiers: ClinVar variation 3377531 (VCV003377531.1).

ClinVar aggregate classification (germline): Uncertain significance (1 of 4 stars; one submission).

Conditions:
Autosomal dominant nonsyndromic hearing loss 2B. Also called: DEAFNESS, AUTOSOMAL DOMINANT, WITH OR WITHOUT PERIPHERAL NEUROPATHY. Identifiers: Orphanet 90635, MedGen C2675236, MONDO:0012976, OMIM 612644.

Submission:

Neuberg Centre For Genomic Medicine, NCGM
Classification: Uncertain significance for Autosomal dominant nonsyndromic hearing loss 2B. Last evaluated: 2023-06-22. Review status: criteria provided, single submitter. Criteria: ACMG Guidelines, 2015. Collection method: clinical testing. Allele origin: germline. Inheritance: Autosomal dominant inheritance. Affected: yes.
Comment: The observed frameshift variant c.687del(p.Ser230ArgfsTer38) in GJB3 gene has not been reported previously as a pathogenic variant nor as a benign variant, to our knowledge. The c.687del(p.Ser230ArgfsTer38) variant is reported with 0.0004% allele frequency in gnomAD Exomes. This variant causes a frameshift starting with codon Serine 230, changes this amino acid to Arginine residue, and creates a premature Stop codon at position 38 of the new reading frame, denoted p.Ser230ArgfsTer38. However since this variant is present in the last exon functional studies will be required to prove protein truncation. For these reasons, this variant has been classified as Uncertain Significance.